The following is an entry in ClinVar:

NM_152703.5(SAMD9L):c.1202T>C (p.Leu401Pro)

Gene: SAMD9L (sterile alpha motif domain containing 9 like; minus strand). Cytogenetic location: 7q21.2.
Variant type: single nucleotide variant.
Coding change: c.1202T>C on transcript NM_152703.5 (MANE Select); coding-DNA position 1202, T replaced by C.
Protein change: p.Leu401Pro; replaces leucine 401 with proline.
Molecular consequence: missense variant.
Genome position (GRCh38, 1-based): chr7:93,134,770, A>G on the plus strand (T>C on the coding strand, the complement: SAMD9L is on the minus strand). VCF-style: chr7-93134770-A-G. GRCh37 (hg19) VCF-style: chr7-92764083-A-G.
Other names: c.1202T>C, p.Leu401Pro (NM_001303496.3, NM_001303497.3, NM_001303498.3 and 5 more transcripts); short protein forms L401P.
Identifiers: ClinVar variation 4826188 (VCV004826188.1).

ClinVar aggregate classification (germline): Uncertain significance (1 of 4 stars; one submission).

Conditions:
Inborn genetic diseases. Identifiers: MedGen C0950123, MeSH D030342.

Submission:

Ambry Genetics
Classification: Uncertain significance for Inborn genetic diseases. Last evaluated: 2026-03-07. Review status: criteria provided, single submitter. Criteria: Ambry Variant Classification Scheme 2023. Collection method: clinical testing. Allele origin: germline.
Comment: The p.L401P variant (also known as c.1202T>C), located in coding exon 1 of the SAMD9L gene, results from a T to C substitution at nucleotide position 1202. The leucine at codon 401 is replaced by proline, an amino acid with similar properties. This amino acid position is conserved. In addition, the in silico prediction for this alteration is inconclusive. Based on the available evidence, the clinical significance of this variant remains unclear.